The following is an entry in ClinVar:

ClinVar aggregate classification (germline): Uncertain significance (1 of 4 stars; one submission).

Conditions:
Schimke immuno-osseous dysplasia (SIOD). Also called: Schimke Immunoosseous Dysplasia. Identifiers: Orphanet 1830, MedGen C0877024, MONDO:0009458, OMIM 242900.

gnomAD v4.1: 1 of 1,614,154 alleles (0.000062%); no homozygotes.

Submission:

Labcorp Genetics (formerly Invitae), Labcorp
Classification: Uncertain significance for Schimke immuno-osseous dysplasia. Last evaluated: 2021-08-25. Review status: criteria provided, single submitter. Criteria: Invitae Variant Classification Sherloc (09022015). Collection method: clinical testing. Allele origin: germline.
Comment: This sequence change replaces leucine with methionine at codon 299 of the SMARCAL1 protein (p.Leu299Met). The leucine residue is moderately conserved and there is a small physicochemical difference between leucine and methionine. This variant is not present in population databases (ExAC no frequency). This variant has not been reported in the literature in individuals affected with SMARCAL1-related conditions. Algorithms developed to predict the effect of missense changes on protein structure and function are either unavailable or do not agree on the potential impact of this missense change (SIFT: "Tolerated"; PolyPhen-2: "Probably Damaging"; Align-GVGD: "Class C0"). In summary, the available evidence is currently insufficient to determine the role of this variant in disease. Therefore, it has been classified as a Variant of Uncertain Significance.

NM_014140.4(SMARCAL1):c.895C>A (p.Leu299Met)

Gene: SMARCAL1 (SNF2 related chromatin remodeling annealing helicase 1; plus strand). Cytogenetic location: 2q35.
Variant type: single nucleotide variant.
Coding change: c.895C>A on transcript NM_014140.4 (MANE Select); coding-DNA position 895, C replaced by A.
Protein change: p.Leu299Met; replaces leucine 299 with methionine.
Molecular consequence: missense variant.
Genome position (GRCh38, 1-based): chr2:216,420,331, C>A. VCF-style: chr2-216420331-C-A. GRCh37 (hg19) VCF-style: chr2-217285054-C-A.
Other names: c.895C>A, p.Leu299Met (NM_001127207.2); short protein forms L299M.
Identifiers: ClinVar variation 1485921 (VCV001485921.5), dbSNP rs2106020536, ClinGen allele CA350498313.
Genomic context (GRCh38, chr2:216,420,331, plus strand): 5'-CTTCTGTTCGATTCTTCTTCTTTGGCAGTGAAAGCAGCCCAGAGCCTCCCCACGGTCAAC[C>A]TGCAGCCTCTGGAATGGGCCTATGGCAGCAGCGAGTCACCCTCCACCAGCAGTGAGGGAC-3'
Protein context (NP_054859.2, residues 289-309): KAAQSLPTVN[Leu299Met]QPLEWAYGSS